The following is an entry in ClinVar:

ClinVar aggregate classification (germline): Pathogenic (1 of 4 stars; one submission).

Conditions:
Catecholaminergic polymorphic ventricular tachycardia 1. Also called: VENTRICULAR TACHYCARDIA, STRESS-INDUCED POLYMORPHIC 1; RYR2-Related Catecholaminergic Polymorphic Ventricular Tachycardia; VENTRICULAR TACHYCARDIA, CATECHOLAMINERGIC POLYMORPHIC, 1, WITH OR WITHOUT ATRIAL DYSFUNCTION AND/OR DILATED CARDIOMYOPATHY. Identifiers: Orphanet 3286, MedGen C1631597, MONDO:0011484, OMIM 604772.

Submission:

Labcorp Genetics (formerly Invitae), Labcorp
Classification: Pathogenic for Catecholaminergic polymorphic ventricular tachycardia 1. Last evaluated: 2026-01-12. Review status: criteria provided, single submitter. Criteria: Invitae Variant Classification Sherloc (09022015). Collection method: clinical testing. Allele origin: germline.
Comment: This sequence change replaces serine, which is neutral and polar, with phenylalanine, which is neutral and non-polar, at codon 4006 of the RYR2 protein (p.Ser4006Phe). This variant is not present in population databases (gnomAD no frequency). This missense change has been observed in individual(s) with clinical features of RYR2-related conditions (internal data). In at least one individual the variant was observed to be de novo. Invitae Evidence Modeling of protein sequence and biophysical properties (such as structural, functional, and spatial information, amino acid conservation, physicochemical variation, residue mobility, and thermodynamic stability) indicates that this missense variant is expected to disrupt RYR2 protein function with a positive predictive value of 95%. For these reasons, this variant has been classified as Pathogenic.

NM_001035.3(RYR2):c.12017C>T (p.Ser4006Phe)

Gene: RYR2 (ryanodine receptor 2; plus strand). Cytogenetic location: 1q43.
Variant type: single nucleotide variant.
Coding change: c.12017C>T on transcript NM_001035.3 (MANE Select); coding-DNA position 12017, C replaced by T.
Protein change: p.Ser4006Phe; replaces serine 4006 with phenylalanine.
Molecular consequence: missense variant.
Genome position (GRCh38, 1-based): chr1:237,783,729, C>T. VCF-style: chr1-237783729-C-T. GRCh37 (hg19) VCF-style: chr1-237947029-C-T.
Other names: short protein forms S4006F.
Identifiers: ClinVar variation 4800115 (VCV004800115.1).
Genomic context (GRCh38, chr1:237,783,729, plus strand): 5'-CACCAGGTAATGTTGTTAATGGAACGATTGGCAAACAGATGGTGGATATGCTTGTGGAAT[C>T]TTCCAACAACGTGGAGATGATTCTCAAATTTTTTGACATGTTCTTAAAACTAAAGGATTT-3'
Protein context (NP_001026.2, residues 3996-4016): GKQMVDMLVE[Ser4006Phe]SNNVEMILKF